The following is an entry in ClinVar:

ClinVar aggregate classification (germline): Pathogenic. Review status: criteria provided, multiple submitters, no conflicts (2 of 4 stars). 4 submissions from 4 submitters: Pathogenic (4). Last evaluated 2025-12-26.

Conditions:
Familial adenomatous polyposis 3. Also called: NTHL1-associated polyposis; NTHL1-related attenuated familial adenomatous polyposis; NTHL1-Related Adenomatous Polyposis and Colorectal Cancer; NTHL1 Tumor Syndrome. Identifiers: Orphanet 220460, Orphanet 454840, MedGen C4225157, MONDO:0014630, OMIM 616415.
Hereditary cancer-predisposing syndrome. Also called: Neoplastic Syndromes, Hereditary; Hereditary Cancer Syndrome; Tumor predisposition; Hereditary neoplastic syndrome. Identifiers: Orphanet 140162, MedGen C0027672, MeSH D009386, MONDO:0015356.

gnomAD v4.1: 13 of 1,604,296 alleles (0.00081%); highest among the groups gnomAD compares: Non-Finnish European, 0.0011%; no homozygotes.

Submissions (4):

Labcorp Genetics (formerly Invitae), Labcorp
Classification: Pathogenic. Last evaluated: 2025-12-26. Review status: criteria provided, single submitter. Criteria: Invitae Variant Classification Sherloc (09022015). Collection method: clinical testing. Allele origin: germline.
Comment: This sequence change creates a premature translational stop signal (p.Tyr130*) in the NTHL1 gene. It is expected to result in an absent or disrupted protein product. Loss-of-function variants in NTHL1 are known to be pathogenic (PMID: 25938944, 26559593). This variant is not present in population databases (gnomAD no frequency). This premature translational stop signal has been observed in individual(s) with colorectal polyps and various cancers (PMID: 30753826). ClinVar contains an entry for this variant (Variation ID: 645235). For these reasons, this variant has been classified as Pathogenic.

Ambry Genetics
Classification: Pathogenic for Hereditary cancer-predisposing syndrome. Last evaluated: 2025-09-23. Review status: criteria provided, single submitter. Criteria: Ambry Variant Classification Scheme 2023. Collection method: clinical testing. Allele origin: germline.
Comment: The p.Y130* variant (also known as c.390C>G), located in coding exon 3 of the NTHL1 gene, results from a C to G substitution at nucleotide position 390. This changes the amino acid from a tyrosine to a stop codon within coding exon 3. This variant has been identified likely in trans with a NTHL1 pathogenic variant in an individual diagnosed with clinical features consistent with NTHL1-associated polyposis (Grolleman JE et al. Cancer Cell, 2019 02;35:256-266.e5). This variant is considered to be rare based on population cohorts in the Genome Aggregation Database (gnomAD). In addition to the clinical data presented in the literature, this alteration is expected to result in loss of function by premature protein truncation or nonsense-mediated mRNA decay. As such, this alteration is interpreted as a disease-causing mutation.

Myriad Genetics, Inc.
Classification: Pathogenic for Familial adenomatous polyposis 3. Last evaluated: 2023-09-05. Review status: criteria provided, single submitter. Criteria: Myriad Autosomal Dominant, Autosomal Recessive and X-Linked Classification Criteria (2023). Collection method: clinical testing. Allele origin: unknown.
Comment: This variant is considered pathogenic. This variant creates a termination codon and is predicted to result in premature protein truncation.

Baylor Genetics
Classification: Pathogenic for Familial adenomatous polyposis 3. Last evaluated: 2021-04-06. Review status: criteria provided, single submitter. Criteria: ACMG Guidelines, 2015. Collection method: clinical testing. Allele origin: unknown.

Literature cited by the submitters: PubMed 25938944 (cited by Labcorp Genetics (formerly Invitae), Labcorp); PubMed 26559593 (cited by Labcorp Genetics (formerly Invitae), Labcorp); PubMed 30753826 (cited by Labcorp Genetics (formerly Invitae), Labcorp and Ambry Genetics).

NM_002528.7(NTHL1):c.366C>G (p.Tyr122Ter)

Gene: NTHL1 (nth like DNA glycosylase 1; minus strand). Cytogenetic location: 16p13.3.
Variant type: single nucleotide variant.
Coding change: c.366C>G on transcript NM_002528.7 (MANE Select); coding-DNA position 366, C replaced by G.
Protein change: p.Tyr122Ter; replaces tyrosine 122 with a stop codon.
Molecular consequence: nonsense. On other transcripts: intron variant (1).
Genome position (GRCh38, 1-based): chr16:2,044,789, G>C on the plus strand (C>G on the coding strand, the complement: NTHL1 is on the minus strand). VCF-style: chr16-2044789-G-C. GRCh37 (hg19) VCF-style: chr16-2094790-G-C.
Other names: c.36C>G, p.Tyr12Ter (NM_001318194.2); c.355-1063C>G (NM_001318193.2); c.366C>G, p.Tyr122Ter (LRG_1366t1); short protein forms Y12*, Y122*.
Identifiers: ClinVar variation 645235 (VCV000645235.12), dbSNP rs371328106, ClinGen allele CA394294760.